The following is an entry in ClinVar:

ClinVar aggregate classification (germline): Uncertain significance. Review status: criteria provided, multiple submitters, no conflicts (2 of 4 stars). 5 submissions from 5 submitters: Uncertain significance (4). 1 of the submissions does not count toward it. Last evaluated 2025-04-13.

Conditions:
Inborn genetic diseases. Identifiers: MedGen C0950123, MeSH D030342.
Usher syndrome type 1 (USH1). Also called: RETINITIS PIGMENTOSA AND CONGENITAL DEAFNESS. Identifiers: Orphanet 231169, Orphanet 886, MedGen C1568247, MONDO:0010168, OMIM 276900.

Allele frequency attached by ClinVar (database versions not stated): ExAC 0.00001; gnomAD exomes 0.00001 and 0.00003; TOPMed 0.00003; gnomAD 0.00004 and 0.00005; ESP Exome Variant Server 0.00008.
gnomAD v4.1: 59 of 1,611,394 alleles (0.0037%); highest among the groups gnomAD compares: African/African-American, 0.004%; no homozygotes.

Submissions (5):

Ambry Genetics
Classification: Uncertain significance for Inborn genetic diseases. Last evaluated: 2025-04-13. Review status: criteria provided, single submitter. Criteria: Ambry Variant Classification Scheme 2023. Collection method: clinical testing. Allele origin: germline.

GeneDx
Classification: Uncertain significance. Last evaluated: 2023-03-29. Review status: criteria provided, single submitter. Criteria: GeneDx Variant Classification Process June 2021. Collection method: clinical testing. Allele origin: germline. Affected: yes.
Comment: In silico analysis supports that this missense variant does not alter protein structure/function; Has not been previously published as pathogenic or benign to our knowledge

Labcorp Genetics (formerly Invitae), Labcorp
Classification: Uncertain significance. Last evaluated: 2022-09-27. Review status: criteria provided, single submitter. Criteria: Invitae Variant Classification Sherloc (09022015). Collection method: clinical testing. Allele origin: germline.
Comment: This sequence change replaces glycine, which is neutral and non-polar, with serine, which is neutral and polar, at codon 540 of the CDH23 protein (p.Gly540Ser). This variant is present in population databases (rs371116044, gnomAD 0.009%). This variant has not been reported in the literature in individuals affected with CDH23-related conditions. ClinVar contains an entry for this variant (Variation ID: 846718). Advanced modeling of protein sequence and biophysical properties (such as structural, functional, and spatial information, amino acid conservation, physicochemical variation, residue mobility, and thermodynamic stability) performed at Invitae indicates that this missense variant is not expected to disrupt CDH23 protein function. In summary, the available evidence is currently insufficient to determine the role of this variant in disease. Therefore, it has been classified as a Variant of Uncertain Significance.

Blueprint Genetics
Classification: Uncertain significance. Last evaluated: 2018-11-19. Review status: criteria provided, single submitter. Criteria: ACMG Guidelines, 2015. Collection method: clinical testing. Allele origin: germline.

Natera, Inc.
Classification: Uncertain significance for Usher syndrome type 1. Last evaluated: 2020-09-16. Review status: no assertion criteria provided. Collection method: clinical testing. Allele origin: germline. Not counted in ClinVar's aggregate classification.

NM_022124.6(CDH23):c.1618G>A (p.Gly540Ser)

Gene: CDH23 (cadherin related 23; plus strand). Cytogenetic location: 10q22.1.
Variant type: single nucleotide variant.
Coding change: c.1618G>A on transcript NM_022124.6 (MANE Select); coding-DNA position 1618, G replaced by A.
Protein change: p.Gly540Ser; replaces glycine 540 with serine.
Molecular consequence: missense variant.
Genome position (GRCh38, 1-based): chr10:71,677,559, G>A. VCF-style: chr10-71677559-G-A. GRCh37 (hg19) VCF-style: chr10-73437316-G-A.
Other names: c.1618G>A, p.Gly540Ser (NM_001171930.2, NM_001171931.2); short protein forms G540S.
Identifiers: ClinVar variation 846718 (VCV000846718.7), dbSNP rs371116044, ClinGen allele CA5543908.